The following is an entry in ClinVar:

ClinVar aggregate classification (germline): Likely benign. Review status: criteria provided, multiple submitters, no conflicts (2 of 4 stars). 3 submissions from 3 submitters: Likely benign (3). Last evaluated 2025-08-03.

Conditions:
PCARE-related disorder. Also called: PCARE-related condition.

Allele frequency attached by ClinVar (database versions not stated): gnomAD exomes 0.00003 and 0.00008; ExAC 0.00005; gnomAD 0.00007.
gnomAD v4.1: 56 of 1,614,008 alleles (0.0035%); highest among the groups gnomAD compares: Admixed American, 0.023%; no homozygotes.

Submissions (3):

Labcorp Genetics (formerly Invitae), Labcorp
Classification: Likely benign. Last evaluated: 2025-08-03. Review status: criteria provided, single submitter. Criteria: Invitae Variant Classification Sherloc (09022015). Collection method: clinical testing. Allele origin: germline.

PreventionGenetics, part of Exact Sciences
Classification: Likely benign for PCARE-related condition. Last evaluated: 2025-07-07. Review status: criteria provided, single submitter. Criteria: ACMG Guidelines, 2015. Collection method: clinical testing. Allele origin: germline.
Comment: This variant is classified as likely benign based on ACMG/AMP sequence variant interpretation guidelines (Richards et al. 2015 PMID: 25741868, with internal and published modifications).

Blueprint Genetics
Classification: Likely benign. Last evaluated: 2024-11-01. Review status: criteria provided, single submitter. Criteria: ACMG Guidelines, 2015. Collection method: clinical testing. Allele origin: germline.

NM_001029883.3(PCARE):c.1284C>T (p.Asp428=)

Gene: PCARE (photoreceptor cilium actin regulator; minus strand). Cytogenetic location: 2p23.2.
Variant type: single nucleotide variant.
Coding change: c.1284C>T on transcript NM_001029883.3 (MANE Select); coding-DNA position 1284, C replaced by T.
Protein change: p.Asp428=; no amino-acid change (aspartic acid 428 retained).
Molecular consequence: synonymous variant.
Genome position (GRCh38, 1-based): chr2:29,072,978, G>A on the plus strand (C>T on the coding strand, the complement: PCARE is on the minus strand). VCF-style: chr2-29072978-G-A. GRCh37 (hg19) VCF-style: chr2-29295844-G-A.
Other names: c.1284C>T (NM_001029883.2).
Identifiers: ClinVar variation 1573637 (VCV001573637.10), dbSNP rs762494567, ClinGen allele CA1592460.